The following is an entry in ClinVar:

NM_001130438.3(SPTAN1):c.6959+4C>T

Gene: SPTAN1 (spectrin alpha, non-erythrocytic 1; plus strand). Cytogenetic location: 9q34.11.
Variant type: single nucleotide variant.
Coding change: c.6959+4C>T on transcript NM_001130438.3 (MANE Select); 4 bases into the intron after coding-DNA position 6959, C replaced by T.
Molecular consequence: intron variant.
Genome position (GRCh38, 1-based): chr9:128,632,327, C>T. VCF-style: chr9-128632327-C-T. GRCh37 (hg19) VCF-style: chr9-131394606-C-T.
Other names: c.7022+4C>T (NM_001363759.2); c.6944+4C>T (NM_003127.4); c.6899+4C>T (NM_001363765.2); c.6884+4C>T (NM_001195532.2).
Identifiers: ClinVar variation 643091 (VCV000643091.9), dbSNP rs902275859, ClinGen allele CA200412552.
Genomic context (GRCh38, chr9:128,632,327, plus strand): 5'-GCTGGACCAGCTGGGCATGCGCATGCAGCACAACCTGGAGCAGCAGATCCAGGCCAGGTA[C>T]CCGGGAGGGCTGTGGGCCAGGCTCAGCCCAGAGCAGGGGGAGGAAAAGACACAGTCACCT-3'

ClinVar aggregate classification (germline): Uncertain significance (1 of 4 stars; one submission).

Conditions:
Early-infantile DEE. Also called: Early infantile epileptic encephalopathy with suppression bursts; Early infantile epileptic encephalopathy; Ohtahara syndrome. Identifiers: Orphanet 1934, MedGen C0393706, MONDO:0800491.

Allele frequency attached by ClinVar (database versions not stated): TOPMed below 0.00001; gnomAD 0.00003.
gnomAD v4.1: 7 of 1,613,402 alleles (0.00043%); highest among the groups gnomAD compares: African/African-American, 0.0027%; no homozygotes.

Submission:

Labcorp Genetics (formerly Invitae), Labcorp
Classification: Uncertain significance for Early-infantile DEE. Last evaluated: 2024-09-06. Review status: criteria provided, single submitter. Criteria: Invitae Variant Classification Sherloc (09022015). Collection method: clinical testing. Allele origin: germline.
Comment: This sequence change falls in intron 53 of the SPTAN1 gene. It does not directly change the encoded amino acid sequence of the SPTAN1 protein. It affects a nucleotide within the consensus splice site. The frequency data for this variant in the population databases is considered unreliable, as metrics indicate poor data quality at this position in the gnomAD database. This variant has not been reported in the literature in individuals affected with SPTAN1-related conditions. ClinVar contains an entry for this variant (Variation ID: 643091). Variants that disrupt the consensus splice site are a relatively common cause of aberrant splicing (PMID: 17576681, 9536098). Algorithms developed to predict the effect of sequence changes on RNA splicing suggest that this variant is not likely to affect RNA splicing. In summary, the available evidence is currently insufficient to determine the role of this variant in disease. Therefore, it has been classified as a Variant of Uncertain Significance.

Literature cited by the submitters: PubMed 17576681; PubMed 9536098.